The following is an entry in ClinVar:

ClinVar aggregate classification (germline): Pathogenic. Review status: criteria provided, multiple submitters, no conflicts (2 of 4 stars). 2 submissions from 2 submitters: Pathogenic (2). Last evaluated 2023-05-28.

Conditions:
Cardiovascular phenotype. Identifiers: MedGen CN230736.
Marfan syndrome (MFS). Also called: MARFAN SYNDROME, TYPE I; FBN1-Related Marfan Syndrome; Marfan syndrome, classic; Marfan syndrome type 1; Marfan's syndrome. Identifiers: Orphanet 284963, Orphanet 558, MedGen C0024796, MONDO:0007947, OMIM 154700.
Familial thoracic aortic aneurysm and aortic dissection (TAAD). Also called: Thoracic aortic aneurysms and dissections. Identifiers: Orphanet 91387, MedGen C4707243, MONDO:0019625.

Submissions (2):

Labcorp Genetics (formerly Invitae), Labcorp
Classification: Pathogenic for Marfan syndrome; Familial thoracic aortic aneurysm and aortic dissection. Last evaluated: 2023-05-28. Review status: criteria provided, single submitter. Criteria: Invitae Variant Classification Sherloc (09022015). Collection method: clinical testing. Allele origin: germline.
Comment: For these reasons, this variant has been classified as Pathogenic. ClinVar contains an entry for this variant (Variation ID: 263556). This premature translational stop signal has been observed in individual(s) with Marfan syndrome (PMID: 29768367). This variant is not present in population databases (gnomAD no frequency). This sequence change creates a premature translational stop signal (p.Glu1471Valfs*3) in the FBN1 gene. It is expected to result in an absent or disrupted protein product. Loss-of-function variants in FBN1 are known to be pathogenic (PMID: 17657824, 19293843).

Ambry Genetics
Classification: Pathogenic for Cardiovascular phenotype. Last evaluated: 2013-01-21. Review status: criteria provided, single submitter. Criteria: Ambry Autosomal Dominant and X-Linked criteria (10/2015). Collection method: clinical testing. Allele origin: germline. Observed: 1 variant allele.

Literature cited by the submitters: PubMed 29768367 (cited by Labcorp Genetics (formerly Invitae), Labcorp); PubMed 17657824 (cited by Labcorp Genetics (formerly Invitae), Labcorp); PubMed 19293843 (cited by Labcorp Genetics (formerly Invitae), Labcorp).

NM_000138.5(FBN1):c.4412_4415del (p.Glu1471fs)

Gene: FBN1 (fibrillin 1; minus strand). Cytogenetic location: 15q21.1.
Variant type: Deletion.
Coding change: c.4412_4415del on transcript NM_000138.5 (MANE Select); coding-DNA positions 4412 to 4415, 4 bases deleted (AGTG; older notation c.4412_4415delAGTG).
Protein change: p.Glu1471fs; shifts the reading frame from glutamic acid 1471.
Molecular consequence: frameshift variant.
Genome position (GRCh38, 1-based): chr15:48,470,678-48,470,681, CACT deleted on the plus strand (AGTG on the coding strand, the reverse complement: FBN1 is on the minus strand); deleting any 4 consecutive bases within chr15:48,470,678-48,470,684 gives the same sequence; the c. name uses the placement nearest the transcript's 3' end. VCF-style (leftmost placement, unchanged base first): chr15-48470677-ACACT-A. GRCh37 (hg19) VCF-style: chr15-48762874-ACACT-A.
Other names: c.4412_4415delAGTG (NM_000138.4); short protein forms E1471fs.
Identifiers: ClinVar variation 263556 (VCV000263556.6), dbSNP rs886038846, ClinGen allele CA10587821.